The following is an entry in ClinVar:

NM_001277115.2(DNAH11):c.9383A>G (p.Gln3128Arg)

Gene: DNAH11 (dynein axonemal heavy chain 11; plus strand). Cytogenetic location: 7p15.3.
Variant type: single nucleotide variant.
Coding change: c.9383A>G on transcript NM_001277115.2 (MANE Select); coding-DNA position 9383, A replaced by G.
Protein change: p.Gln3128Arg; replaces glutamine 3128 with arginine.
Molecular consequence: missense variant.
Genome position (GRCh38, 1-based): chr7:21,779,004, A>G. VCF-style: chr7-21779004-A-G. GRCh37 (hg19) VCF-style: chr7-21818622-A-G.
Other names: c.9404A>G, p.Gln3135Arg (NM_003777.3); short protein forms Q3128R, Q3135R.
Identifiers: ClinVar variation 3221496 (VCV003221496.1), dbSNP rs1420015565, ClinGen allele CA366937653.

ClinVar aggregate classification (germline): Uncertain significance (1 of 4 stars; one submission).

Conditions:
Primary ciliary dyskinesia. Also called: Ciliary dyskinesia. Identifiers: Orphanet 244, MedGen C0008780, MONDO:0016575, HP:0012265.

Allele frequency attached by ClinVar (database versions not stated): gnomAD exomes below 0.00001; gnomAD 0.00001; TOPMed 0.00001.
gnomAD v4.1: 3 of 1,613,338 alleles (0.00019%); highest among the groups gnomAD compares: Non-Finnish European, 0.00025%; no homozygotes.

Submission:

Ambry Genetics
Classification: Uncertain significance for Primary ciliary dyskinesia. Last evaluated: 2015-12-29. Review status: criteria provided, single submitter. Criteria: Ambry Variant Classification Scheme 2023. Collection method: clinical testing. Allele origin: germline.
Comment: The p.Q3128R variant (also known as c.9383A>G), located in coding exon 57 of the DNAH11 gene, results from an A to G substitution at nucleotide position 9383. The glutamine at codon 3128 is replaced by arginine, an amino acid with highly similar properties. This variant was not reported in population based cohorts in the following databases: Database of Single Nucleotide Polymorphisms (dbSNP), NHLBI Exome Sequencing Project (ESP), and 1000 Genomes Project. In the ESP, this variant was not observed in 6046 samples (12092 alleles) with coverage at this position. This amino acid position is not well conserved in available vertebrate species. In addition, this alteration is predicted to be tolerated SIFT in silico analysis. Since supporting evidence is limited at this time, the clinical significance of this variant remains unclear.